The following is an entry in ClinVar:

ClinVar aggregate classification (germline): Likely pathogenic (1 of 4 stars; one submission).

Conditions:
Neuromuscular disease caused by qualitative or quantitative defects of dysferlin. Also called: Dysferlinopathy; Qualitative or quantitative defects of dysferlin. Identifiers: Orphanet 207073, MedGen C2931687, MONDO:0016145.

Allele frequency attached by ClinVar (database versions not stated): gnomAD exomes below 0.00001; TOPMed below 0.00001.
gnomAD v4.1: 1 of 1,614,218 alleles (0.000062%); highest among the groups gnomAD compares: South Asian, 0.0011%; no homozygotes.

Submission:

Labcorp Genetics (formerly Invitae), Labcorp
Classification: Likely pathogenic for Neuromuscular disease caused by qualitative or quantitative defects of dysferlin. Last evaluated: 2025-10-06. Review status: criteria provided, single submitter. Criteria: Invitae Variant Classification Sherloc (09022015). Collection method: clinical testing. Allele origin: germline.
Comment: This sequence change affects an acceptor splice site in intron 9 of the DYSF gene. It is expected to disrupt RNA splicing. Variants that disrupt the donor or acceptor splice site typically lead to a loss of protein function (PMID: 16199547), and loss-of-function variants in DYSF are known to be pathogenic (PMID: 17698709, 20301480). This variant is not present in population databases (gnomAD no frequency). This variant has not been reported in the literature in individuals affected with DYSF-related conditions. ClinVar contains an entry for this variant (Variation ID: 565629). Algorithms developed to predict the effect of sequence changes on RNA splicing suggest that this variant may disrupt the consensus splice site. In summary, the currently available evidence indicates that the variant is pathogenic, but additional data are needed to prove that conclusively. Therefore, this variant has been classified as Likely Pathogenic.

Literature cited by the submitters: PubMed 16199547; PubMed 17698709; PubMed 20301480.

NM_001130987.2(DYSF):c.1003-2A>G

Gene: DYSF (dysferlin; plus strand). Cytogenetic location: 2p13.2.
Variant type: single nucleotide variant.
Coding change: c.1003-2A>G on transcript NM_001130987.2 (MANE Select); the canonical splice acceptor site of the intron before coding-DNA position 1003, A replaced by G.
Molecular consequence: splice acceptor variant.
Genome position (GRCh38, 1-based): chr2:71,520,176, A>G. VCF-style: chr2-71520176-A-G. GRCh37 (hg19) VCF-style: chr2-71747306-A-G.
Other names: c.1000-2A>G (NM_001130979.2, NM_001130981.2, NM_001130980.2); c.907-2A>G (NM_001130978.2, NM_003494.4, NM_001130977.2 and 1 more transcripts); c.1003-2A>G (NM_001130982.2, NM_001130985.2); c.910-2A>G (NM_001130983.2, NM_001130455.2, NM_001130984.2 and 1 more transcripts).
Identifiers: ClinVar variation 565629 (VCV000565629.8), dbSNP rs1559065297, ClinGen allele CA347211410.